The following is an entry in ClinVar:

NM_000287.4(PEX6):c.506_507del (p.Glu169fs)

Gene: PEX6 (peroxisomal biogenesis factor 6; minus strand). Cytogenetic location: 6p21.1.
Variant type: Microsatellite.
Coding change: c.506_507del on transcript NM_000287.4 (MANE Select); coding-DNA positions 506 to 507, 2 bases deleted (AG; older notation c.506_507delAG).
Protein change: p.Glu169fs; shifts the reading frame from glutamic acid 169.
Molecular consequence: frameshift variant. On other transcripts: non-coding transcript variant (1).
Genome position (GRCh38, 1-based): chr6:42,978,644-42,978,645, CT deleted on the plus strand (AG on the coding strand, the reverse complement: PEX6 is on the minus strand); deleting any 2 consecutive bases within chr6:42,978,644-42,978,647 gives the same sequence; the c. name uses the placement nearest the transcript's 3' end. VCF-style (leftmost placement, unchanged base first): chr6-42978643-ACT-A. GRCh37 (hg19) VCF-style: chr6-42946381-ACT-A.
Other names: c.506_507del, p.Glu169fs (NM_001316313.2); short protein forms E169fs.
Identifiers: ClinVar variation 554303 (VCV000554303.13), dbSNP rs1554128461, ClinGen allele CA658821900.

ClinVar aggregate classification (germline): Pathogenic/Likely pathogenic. Review status: criteria provided, multiple submitters, no conflicts (2 of 4 stars). 4 submissions from 4 submitters: Pathogenic (1); Likely pathogenic (2). 1 of the submissions does not count toward it. Last evaluated 2026-01-26.

Conditions:
Heimler syndrome 2 (HMLR2). Also called: PEROXISOME BIOGENESIS DISORDER 4C. Identifiers: Orphanet 3220, MedGen C4225267, OMIM 616617, MONDO:0014709.
Peroxisome biogenesis disorder 4A (Zellweger) (PBD4A). Also called: Zellweger syndrome spectrum (PEX6-related). Identifiers: Orphanet 912, MedGen C3553936, MONDO:0013930, OMIM 614862. Disease mechanism: loss of function.
Peroxisome biogenesis disorder 4B (PBD4B). Also called: SPINOCEREBELLAR ATAXIA WITH BLINDNESS AND DEAFNESS 1. Identifiers: Orphanet 44, Orphanet 95433, MedGen C3553937, MONDO:0013931, OMIM 614863.
Peroxisome biogenesis disorder. Identifiers: Orphanet 79189, MedGen C1832200, MONDO:0019234. Disease mechanism: loss of function.

Submissions (4):

Labcorp Genetics (formerly Invitae), Labcorp
Classification: Pathogenic for Peroxisome biogenesis disorder. Last evaluated: 2026-01-26. Review status: criteria provided, single submitter. Criteria: Invitae Variant Classification Sherloc (09022015). Collection method: clinical testing. Allele origin: germline.
Comment: This sequence change creates a premature translational stop signal (p.Glu169Valfs*72) in the PEX6 gene. It is expected to result in an absent or disrupted protein product. Loss-of-function variants in PEX6 are known to be pathogenic (PMID: 10408779, 21031596, 31831025). This variant is not present in population databases (gnomAD no frequency). This variant has not been reported in the literature in individuals affected with PEX6-related conditions. For these reasons, this variant has been classified as Pathogenic.

Fulgent Genetics
Classification: Likely pathogenic for Peroxisome biogenesis disorder 4A (Zellweger); Peroxisome biogenesis disorder 4B; Heimler syndrome 2. Last evaluated: 2024-06-03. Review status: criteria provided, single submitter. Criteria: ACMG Guidelines, 2015. Collection method: clinical testing. Allele origin: germline.

Baylor Genetics
Classification: Likely pathogenic for Heimler syndrome 2. Last evaluated: 2023-04-22. Review status: criteria provided, single submitter. Criteria: ACMG Guidelines, 2015. Collection method: clinical testing. Allele origin: unknown.

Counsyl
Classification: Likely pathogenic for Peroxisome biogenesis disorder 4A (Zellweger); Peroxisome biogenesis disorder 4B. Last evaluated: 2017-10-25. Review status: no assertion criteria provided. Collection method: clinical testing. Allele origin: unknown. Not counted in ClinVar's aggregate classification.

Literature cited by the submitters: PubMed 10408779 (cited by Labcorp Genetics (formerly Invitae), Labcorp); PubMed 21031596 (cited by Labcorp Genetics (formerly Invitae), Labcorp); PubMed 31831025 (cited by Labcorp Genetics (formerly Invitae), Labcorp).